The following is an entry in ClinVar:

ClinVar aggregate classification (germline): Uncertain significance. Review status: criteria provided, multiple submitters, no conflicts (2 of 4 stars). 3 submissions from 3 submitters: Uncertain significance (3). Last evaluated 2024-05-02.

Conditions:
Hereditary spastic paraplegia 73. Also called: Spastic paraplegia 73, autosomal dominant. Identifiers: Orphanet 444099, MedGen C5568981, MONDO:0014568, OMIM 616282.

Allele frequency attached by ClinVar (database versions not stated): gnomAD exomes 0.00001; TOPMed 0.00001.
gnomAD v4.1: 3 of 1,614,110 alleles (0.00019%); highest among the groups gnomAD compares: Admixed American, 0.0017%; no homozygotes.

Submissions (3):

Women's Health and Genetics/Laboratory Corporation of America, LabCorp
Classification: Uncertain significance. Last evaluated: 2024-05-02. Review status: criteria provided, single submitter. Criteria: LabCorp Variant Classification Summary - May 2015. Collection method: clinical testing. Allele origin: germline.
Comment: Variant summary: CPT1C c.55G>A (p.Ala19Thr) results in a non-conservative amino acid change located in the Carnitine O-palmitoyltransferase, N-terminal domain (IPR032476) of the encoded protein sequence. Four of five in-silico tools predict a benign effect of the variant on protein function. The variant allele was found at a frequency of 1.2e-05 in 251306 control chromosomes (gnomAD). The available data on variant occurrences in the general population are insufficient to allow any conclusion about variant significance. To our knowledge, no occurrence of c.55G>A in individuals affected with Hereditary Spastic Paraplegia 73 and no experimental evidence demonstrating its impact on protein function have been reported. ClinVar contains an entry for this variant (Variation ID: 662312). Based on the evidence outlined above, the variant was classified as uncertain significance.

Ambry Genetics
Classification: Uncertain significance. Last evaluated: 2024-01-04. Review status: criteria provided, single submitter. Criteria: Ambry Variant Classification Scheme 2023. Collection method: clinical testing. Allele origin: germline.

Labcorp Genetics (formerly Invitae), Labcorp
Classification: Uncertain significance for Hereditary spastic paraplegia 73. Last evaluated: 2018-10-05. Review status: criteria provided, single submitter. Criteria: Invitae Variant Classification Sherloc (09022015). Collection method: clinical testing. Allele origin: germline.
Comment: This variant has not been reported in the literature in individuals with CPT1C-related disease. This sequence change replaces alanine with threonine at codon 19 of the CPT1C protein (p.Ala19Thr). The alanine residue is weakly conserved and there is a small physicochemical difference between alanine and threonine. This variant is not present in population databases (ExAC no frequency). Algorithms developed to predict the effect of missense changes on protein structure and function (SIFT, PolyPhen-2, Align-GVGD) all suggest that this variant is likely to be tolerated, but these predictions have not been confirmed by published functional studies and their clinical significance is uncertain. In summary, the available evidence is currently insufficient to determine the role of this variant in disease. Therefore, it has been classified as a Variant of Uncertain Significance.

NM_001199753.2(CPT1C):c.55G>A (p.Ala19Thr)

Gene: CPT1C (carnitine palmitoyltransferase 1C; plus strand). Cytogenetic location: 19q13.33.
Variant type: single nucleotide variant.
Coding change: c.55G>A on transcript NM_001199753.2 (MANE Select); coding-DNA position 55, G replaced by A.
Protein change: p.Ala19Thr; replaces alanine 19 with threonine.
Molecular consequence: missense variant. On other transcripts: non-coding transcript variant (1).
Genome position (GRCh38, 1-based): chr19:49,692,307, G>A. VCF-style: chr19-49692307-G-A. GRCh37 (hg19) VCF-style: chr19-50195564-G-A.
Other names: c.55G>A (NM_001199752.1); c.55G>A, p.Ala19Thr (NM_001136052.3, NM_001199752.3, NM_001378482.1 and 7 more transcripts); short protein forms A19T.
Identifiers: ClinVar variation 662312 (VCV000662312.10), dbSNP rs1317849272, ClinGen allele CA406893743.